The following is an entry in ClinVar:

NM_000368.5(TSC1):c.1263+9C>T

Gene: TSC1 (TSC complex subunit 1; minus strand). Cytogenetic location: 9q34.13.
Variant type: single nucleotide variant.
Coding change: c.1263+9C>T on transcript NM_000368.5 (MANE Select); 9 bases into the intron after coding-DNA position 1263, C replaced by T.
Molecular consequence: intron variant.
Genome position (GRCh38, 1-based): chr9:132,910,562, G>A on the plus strand (C>T on the coding strand, the complement: TSC1 is on the minus strand). VCF-style: chr9-132910562-G-A. GRCh37 (hg19) VCF-style: chr9-135785949-G-A.
Other names: c.900+9C>T (NM_001362177.2); c.1110+9C>T (NM_001162427.2); c.1260+9C>T (NM_001162426.2).
Identifiers: ClinVar variation 466016 (VCV000466016.9), dbSNP rs761837376, ClinGen allele CA027788.

ClinVar aggregate classification (germline): Likely benign. Review status: criteria provided, multiple submitters, no conflicts (2 of 4 stars). 2 submissions from 2 submitters: Likely benign (2). Last evaluated 2025-04-09.

Conditions:
Tuberous sclerosis 1 (TSC1). Identifiers: Orphanet 805, MedGen C1854465, MONDO:0008612, OMIM 191100.

Allele frequency attached by ClinVar (database versions not stated): gnomAD exomes 0.00001; ExAC 0.00002.
gnomAD v4.1: 14 of 1,614,026 alleles (0.00087%); highest among the groups gnomAD compares: South Asian, 0.014%; no homozygotes.

Submissions (2):

Myriad Genetics, Inc.
Classification: Likely benign for Tuberous sclerosis 1. Last evaluated: 2025-04-09. Review status: criteria provided, single submitter. Criteria: Myriad Autosomal Dominant, Autosomal Recessive and X-Linked Classification Criteria (2023). Collection method: clinical testing. Allele origin: unknown.
Comment: This variant is considered likely benign. This variant is intronic and is not expected to impact mRNA splicing.

Labcorp Genetics (formerly Invitae), Labcorp
Classification: Likely benign for Tuberous sclerosis 1. Last evaluated: 2024-06-17. Review status: criteria provided, single submitter. Criteria: Invitae Variant Classification Sherloc (09022015). Collection method: clinical testing. Allele origin: germline.